The following is an entry in ClinVar:

ClinVar aggregate classification (germline): Pathogenic. Review status: criteria provided, multiple submitters, no conflicts (2 of 4 stars). 8 submissions from 8 submitters: Pathogenic (8). Last evaluated 2025-07-18.

Conditions:
EYA1-related disorder. Also called: EYA1-related condition.
Melnick-Fraser syndrome (BOR). Also called: Branchio-oto-renal syndrome; Branchiootorenal Syndrome (BORS); Branchiootorenal syndrome. Identifiers: Orphanet 107, MedGen C0265234, MONDO:0007029.
EYA1-related disorders.
Branchiootic syndrome 1 (BOS1). Also called: BO SYNDROME 1; BRANCHIOOTIC DYSPLASIA. Identifiers: MedGen C1865143, MONDO:0011258, OMIM 602588.
Otofaciocervical syndrome 1 (OTFCS). Identifiers: MedGen C3714941, MONDO:0024532, OMIM 166780.
Branchiootorenal syndrome 1. Also called: Branchio-Oto-Renal Syndrome 1. Identifiers: Orphanet 107, MedGen C4551702, MONDO:0007236, OMIM 113650.
Branchiootorenal Spectrum Disorder. Identifiers: MedGen CN043574.

Submissions (8):

PreventionGenetics, part of Exact Sciences
Classification: Pathogenic for EYA1-related condition. Last evaluated: 2025-07-18. Review status: criteria provided, single submitter. Criteria: ACMG Guidelines, 2015. Collection method: clinical testing. Allele origin: germline.
Comment: The EYA1 c.889C>T variant is predicted to result in premature protein termination (p.Arg297*). This variant was reported in multiple individuals with branchio-oto-renal syndrome (described as R265X, Rickard et al. 2000. PubMed ID: 10991693; described as R264X, Fukuda et al. 2001. PubMed ID: 11683347; Feng et al. 2021. PubMed ID: 34868248; Mallawaarachchi et al. 2024. PubMed ID: 38861662). This variant has not been reported in a large population database (gnomAD), indicating this variant is rare. Nonsense variants in EYA1 are expected to be pathogenic. This variant is interpreted as pathogenic.

Victorian Clinical Genetics Services, Murdoch Childrens Research Institute
Classification: Pathogenic for Branchiootic syndrome 1. Last evaluated: 2025-07-10. Review status: criteria provided, single submitter. Criteria: ACMG Guidelines, 2015. Collection method: clinical testing. Allele origin: germline. Affected: yes.
Comment: This variant is classified as Pathogenic. Evidence in support of pathogenic classification: Variant is predicted to cause nonsense-mediated decay (NMD) and loss of protein (premature termination codon is located at least 54 nucleotides upstream of the final exon-exon junction); Variant is absent from gnomAD (v2, v3 and v4); This variant has moderate previous evidence of pathogenicity in unrelated individuals. This variant has been classified as pathogenic by several clinical laboratories in ClinVar; Other NMD-predicted variant(s) comparable to the one identified in this case have very strong previous evidence for pathogenicity (DECIPHER); Additional information: This variant is heterozygous; This gene is associated with autosomal dominant disease; Loss of function is a known mechanism of disease in this gene and is associated with anterior segment anomalies with or without cataract (MIM#602588), branchiootic syndrome 1 (MIM#602588), and branchiootorenal syndrome 1, with or without cataracts (MIM#113650).

Division of Genetic & Genomic Pathology, Hong Kong Children's Hospital
Classification: Pathogenic for Branchiootorenal Spectrum Disorder. Last evaluated: 2024-07-26. Review status: criteria provided, single submitter. Criteria: ACMG Guidelines, 2015. Collection method: clinical testing. Allele origin: germline. Affected: yes.
Comment: The EYA1 c.889C>T p.(Arg297Ter) nonsense variant is located in exon 10 (out of 18 exons). It disrupts the original reading frame of the gene and is predicted to result in loss of protein function by nonsense-mediated mRNA decay. This variant is absent in population databases (gnomAD v2.1.1 and gnomAD v4.1.0). It has been classified as pathogenic by multiple submitters in ClinVar (VCV000429912.12), and reported in multiple individuals with branchiootorenal spectrum disorder (PMID: 34868248, 33210889). For these reasons, the EYA1 c.889C>T (p.Arg297Ter) variant is classified as pathogenic.

Labcorp Genetics (formerly Invitae), Labcorp
Classification: Pathogenic for Melnick-Fraser syndrome. Last evaluated: 2024-04-25. Review status: criteria provided, single submitter. Criteria: Invitae Variant Classification Sherloc (09022015). Collection method: clinical testing. Allele origin: germline.
Comment: This sequence change creates a premature translational stop signal (p.Arg297*) in the EYA1 gene. It is expected to result in an absent or disrupted protein product. Loss-of-function variants in EYA1 are known to be pathogenic (PMID: 10464653, 18220287). This variant is not present in population databases (gnomAD no frequency). This premature translational stop signal has been observed in individuals with branchiootorenal and/or branchiootic syndrome (PMID: 10991693, 11683347; Invitae). It has also been observed to segregate with disease in related individuals. This variant is also known as c.790C>T. ClinVar contains an entry for this variant (Variation ID: 429912). For these reasons, this variant has been classified as Pathogenic.

Blueprint Genetics
Classification: Pathogenic for EYA1-related disorders. Last evaluated: 2023-02-03. Review status: criteria provided, single submitter. Criteria: ACMG Guidelines, 2015. Collection method: clinical testing. Allele origin: germline. Affected: yes. Observed: 1 variant allele.

Fulgent Genetics
Classification: Pathogenic for Branchiootorenal syndrome 1; Otofaciocervical syndrome 1; Branchiootic syndrome 1. Last evaluated: 2022-02-15. Review status: criteria provided, single submitter. Criteria: ACMG Guidelines, 2015. Collection method: clinical testing. Allele origin: unknown.

GeneDx
Classification: Pathogenic. Last evaluated: 2018-07-02. Review status: criteria provided, single submitter. Criteria: GeneDx Variant Classification (06012015). Collection method: clinical testing. Allele origin: germline. Affected: yes.
Comment: The R297X nonsense variant in the EYA1 gene has been published (as R265X, R264X, and R297X) in association with branchiootorenal syndrome (Rickard et al., 2000; Orten et al., 2008; Wang et al., 2012). This pathogenic variant is predicted to cause loss of normal protein function either through protein truncation or nonsense-mediated mRNA decay. Additionally, the R297X variant is not observed in large population cohorts (Lek et al., 2016; 1000 Genomes Consortium et al., 2015; Exome Variant Server). Therefore, the R297X variant is pathogenic.

Precision Medicine Center, Zhengzhou University
Classification: Pathogenic for Branchiootic syndrome 1. Review status: criteria provided, single submitter. Criteria: ACMG Guidelines, 2015. Collection method: research. Allele origin: germline. Affected: yes.
Comment: PVS1, PM2, PP3, PP4

Literature cited by the submitters: PubMed 34868248 (cited by Division of Genetic & Genomic Pathology, Hong Kong Children's Hospital); PubMed 33210889 (cited by Division of Genetic & Genomic Pathology, Hong Kong Children's Hospital); PubMed 10464653 (cited by Labcorp Genetics (formerly Invitae), Labcorp); PubMed 18220287 (cited by Labcorp Genetics (formerly Invitae), Labcorp); PubMed 10991693 (cited by Labcorp Genetics (formerly Invitae), Labcorp); PubMed 11683347 (cited by Labcorp Genetics (formerly Invitae), Labcorp).

NM_000503.6(EYA1):c.889C>T (p.Arg297Ter)

Gene: EYA1 (EYA transcriptional coactivator and phosphatase 1; minus strand). Cytogenetic location: 8q13.3.
Variant type: single nucleotide variant.
Coding change: c.889C>T on transcript NM_000503.6 (MANE Select); coding-DNA position 889, C replaced by T.
Protein change: p.Arg297Ter; replaces arginine 297 with a stop codon.
Molecular consequence: nonsense.
Genome position (GRCh38, 1-based): chr8:71,271,835, G>A on the plus strand (C>T on the coding strand, the complement: EYA1 is on the minus strand). VCF-style: chr8-71271835-G-A. GRCh37 (hg19) VCF-style: chr8-72184070-G-A.
Other names: c.889C>T (NM_172058.3); c.871C>T, p.Arg291Ter (NM_001288574.2); c.523C>T, p.Arg175Ter (NM_001288575.2); c.976C>T, p.Arg326Ter (NM_001370333.1); c.889C>T, p.Arg297Ter (NM_001370334.1, NM_001370335.1, NM_172058.4); c.958C>T, p.Arg320Ter (NM_001370336.1); c.961C>T, p.Arg321Ter (NM_172059.5); short protein forms R297*, R291*, R175*, R320*, R321*, R326*.
Identifiers: ClinVar variation 429912 (VCV000429912.19), dbSNP rs1131691667, ClinGen allele CA371469006.